The following is an entry in ClinVar:

NM_004369.4(COL6A3):c.378G>A (p.Met126Ile)

Gene: COL6A3 (collagen type VI alpha 3 chain; minus strand). Cytogenetic location: 2q37.3.
Variant type: single nucleotide variant.
Coding change: c.378G>A on transcript NM_004369.4 (MANE Select); coding-DNA position 378, G replaced by A.
Protein change: p.Met126Ile; replaces methionine 126 with isoleucine.
Molecular consequence: missense variant. On other transcripts: intron variant (4).
Genome position (GRCh38, 1-based): chr2:237,394,918, C>T on the plus strand (G>A on the coding strand, the complement: COL6A3 is on the minus strand). VCF-style: chr2-237394918-C-T. GRCh37 (hg19) VCF-style: chr2-238303561-C-T.
Other names: c.91+1809G>A (NM_057166.5, NM_057167.4, NM_057164.5 and 1 more transcripts); short protein forms M126I.
Identifiers: ClinVar variation 2652053 (VCV002652053.24), dbSNP rs2078393359, ClinGen allele CA351227268.

ClinVar aggregate classification (germline): Uncertain significance (1 of 4 stars; one submission).

Allele frequency attached by ClinVar (database versions not stated): gnomAD exomes below 0.00001; TOPMed below 0.00001.

Submission:

CeGaT Center for Human Genetics Tuebingen
Classification: Uncertain significance. Last evaluated: 2022-08-01. Review status: criteria provided, single submitter. Criteria: CeGaT Center For Human Genetics Tuebingen Variant Classification Criteria Version 2. Collection method: clinical testing. Allele origin: germline. Affected: yes. Observed: 1 variant allele.
Comment: COL6A3: PM2, BP4